The following is an entry in ClinVar:

NM_014317.5(PDSS1):c.226C>T (p.Arg76Trp)

Gene: PDSS1 (decaprenyl diphosphate synthase subunit 1; plus strand). Cytogenetic location: 10p12.1.
Variant type: single nucleotide variant.
Coding change: c.226C>T on transcript NM_014317.5 (MANE Select); coding-DNA position 226, C replaced by T.
Protein change: p.Arg76Trp; replaces arginine 76 with tryptophan.
Molecular consequence: missense variant. On other transcripts: 5 prime UTR variant (1).
Genome position (GRCh38, 1-based): chr10:26,704,740, C>T. VCF-style: chr10-26704740-C-T. GRCh37 (hg19) VCF-style: chr10-26993669-C-T.
Other names: c.226C>T (NM_014317.3); c.226C>T, p.Arg76Trp (NM_001321978.2); c.-368C>T (NM_001321979.2); short protein forms R76W.
Identifiers: ClinVar variation 1990004 (VCV001990004.7), dbSNP rs767853330, ClinGen allele CA5446875.
Genomic context (GRCh38, chr10:26,704,740, plus strand): 5'-CCCTATATTAATCTTGTGAAGCATTTAACATCTGCCTGTCCAAATGTATGTCGTATATCA[C>T]GGTAAGTTTACAGTCCATACTGCAACTACTAAAATTATCCATTTTTAAATTTATTGTTGT-3'
Protein context (NP_055132.2, residues 66-86): SACPNVCRIS[Arg76Trp]FHHTTPDSKT

ClinVar aggregate classification (germline): Uncertain significance. Review status: criteria provided, multiple submitters, no conflicts (2 of 4 stars). 4 submissions from 4 submitters: Uncertain significance (4). Last evaluated 2025-06-12.

Conditions:
Inborn genetic diseases. Identifiers: MedGen C0950123, MeSH D030342.

Allele frequency attached by ClinVar (database versions not stated): ExAC 0.00002.
gnomAD v4.1: 29 of 1,404,246 alleles (0.0021%); highest among the groups gnomAD compares: Admixed American, 0.01%; no homozygotes.

Submissions (4):

Labcorp Genetics (formerly Invitae), Labcorp
Classification: Uncertain significance. Last evaluated: 2025-06-12. Review status: criteria provided, single submitter. Criteria: Invitae Variant Classification Sherloc (09022015). Collection method: clinical testing. Allele origin: germline.
Comment: This sequence change replaces arginine, which is basic and polar, with tryptophan, which is neutral and slightly polar, at codon 76 of the PDSS1 protein (p.Arg76Trp). This variant is present in population databases (rs767853330, gnomAD 0.008%). This variant has not been reported in the literature in individuals affected with PDSS1-related conditions. ClinVar contains an entry for this variant (Variation ID: 1990004). An algorithm developed to predict the effect of missense changes on protein structure and function (PolyPhen-2) suggests that this variant is likely to be tolerated. In summary, the available evidence is currently insufficient to determine the role of this variant in disease. Therefore, it has been classified as a Variant of Uncertain Significance.

Ambry Genetics
Classification: Uncertain significance for Inborn genetic diseases. Last evaluated: 2025-05-30. Review status: criteria provided, single submitter. Criteria: Ambry Variant Classification Scheme 2023. Collection method: clinical testing. Allele origin: germline.

Blueprint Genetics
Classification: Uncertain significance. Last evaluated: 2024-01-22. Review status: criteria provided, single submitter. Criteria: ACMG Guidelines, 2015. Collection method: clinical testing. Allele origin: germline.

GeneDx
Classification: Uncertain significance. Last evaluated: 2023-11-21. Review status: criteria provided, single submitter. Criteria: GeneDx Variant Classification Process June 2021. Collection method: clinical testing. Allele origin: germline. Affected: yes.
Comment: Not observed at significant frequency in large population cohorts (gnomAD); In silico analysis supports that this missense variant does not alter protein structure/function; Has not been previously published as pathogenic or benign to our knowledge